The following is an entry in ClinVar:

NM_006506.5(RASA2):c.355G>A (p.Gly119Arg)

Gene: RASA2 (RAS p21 protein activator 2; plus strand). Cytogenetic location: 3q23.
Variant type: single nucleotide variant.
Coding change: c.355G>A on transcript NM_006506.5 (MANE Select); coding-DNA position 355, G replaced by A.
Protein change: p.Gly119Arg; replaces glycine 119 with arginine.
Molecular consequence: missense variant.
Genome position (GRCh38, 1-based): chr3:141,516,431, G>A. VCF-style: chr3-141516431-G-A. GRCh37 (hg19) VCF-style: chr3-141235273-G-A.
Other names: c.355G>A, p.Gly119Arg (NM_001303245.3, NM_001303246.3); short protein forms G119R.
Identifiers: ClinVar variation 4805043 (VCV004805043.1).

ClinVar aggregate classification (germline): Uncertain significance (1 of 4 stars; one submission).

gnomAD v4.1: 1 of 1,475,262 alleles (0.000068%); highest among the groups gnomAD compares: Non-Finnish European, 0.00009%; no homozygotes.

Submission:

Labcorp Genetics (formerly Invitae), Labcorp
Classification: Uncertain significance. Last evaluated: 2025-09-20. Review status: criteria provided, single submitter. Criteria: Invitae Variant Classification Sherloc (09022015). Collection method: clinical testing. Allele origin: germline.
Comment: This sequence change replaces glycine, which is neutral and non-polar, with arginine, which is basic and polar, at codon 119 of the RASA2 protein (p.Gly119Arg). This variant also falls at the last nucleotide of exon 3, which is part of the consensus splice site for this exon. This variant is not present in population databases (gnomAD no frequency). This variant has not been reported in the literature in individuals affected with RASA2-related conditions. An algorithm developed to predict the effect of missense changes on protein structure and function (PolyPhen-2) suggests that this variant is likely to be disruptive. Variants that disrupt the consensus splice site are a relatively common cause of aberrant splicing (PMID: 17576681, 9536098). In summary, the available evidence is currently insufficient to determine the role of this variant in disease. Therefore, it has been classified as a Variant of Uncertain Significance.

Literature cited by the submitters: PubMed 17576681; PubMed 9536098.